The following is an entry in ClinVar:

ClinVar aggregate classification (germline): Pathogenic (1 of 4 stars; one submission).

Conditions:
Charcot-Marie-Tooth disease type 4. Also called: Charcot-Marie-Tooth disease, type IV; Charcot-Marie-Tooth, Type 4. Identifiers: Orphanet 64749, MedGen C4082197, MONDO:0018995.

Submission:

Labcorp Genetics (formerly Invitae), Labcorp
Classification: Pathogenic for Charcot-Marie-Tooth disease type 4. Last evaluated: 2022-08-07. Review status: criteria provided, single submitter. Criteria: Invitae Variant Classification Sherloc (09022015). Collection method: clinical testing. Allele origin: germline.
Comment: This variant is not present in population databases (gnomAD no frequency). For these reasons, this variant has been classified as Pathogenic. Algorithms developed to predict the effect of sequence changes on RNA splicing suggest that this variant may disrupt the consensus splice site. This variant has not been reported in the literature in individuals affected with SBF2-related conditions. This sequence change creates a premature translational stop signal (p.Tyr1432*) in the SBF2 gene. It is expected to result in an absent or disrupted protein product. Loss-of-function variants in SBF2 are known to be pathogenic (PMID: 12687498, 25873783).

Literature cited by the submitters: PubMed 12687498; PubMed 25873783.

NM_030962.4(SBF2):c.4296T>G (p.Tyr1432Ter)

Genes: SBF2 (SET binding factor 2; minus strand), SBF2-AS1 (SBF2 antisense RNA 1; plus strand). Cytogenetic location: 11p15.4.
Variant type: single nucleotide variant.
Coding change: c.4296T>G on transcript NM_030962.4 (MANE Select); coding-DNA position 4296, T replaced by G.
Protein change: p.Tyr1432Ter; replaces tyrosine 1432 with a stop codon.
Molecular consequence: nonsense. On other transcripts: non-coding transcript variant (1).
Genome position (GRCh38, 1-based): chr11:9,808,147, A>C on the plus strand (T>G on the coding strand, the complement: SBF2 is on the minus strand). VCF-style: chr11-9808147-A-C. GRCh37 (hg19) VCF-style: chr11-9829694-A-C.
Other names: c.4392T>G, p.Tyr1464Ter (NM_001386339.1); c.4167T>G, p.Tyr1389Ter (NM_001386342.1); short protein forms Y1432*, Y1464*, Y1389*.
Identifiers: ClinVar variation 2022380 (VCV002022380.4), dbSNP rs1853958093, ClinGen allele CA379640258.